The following is an entry in ClinVar:

ClinVar aggregate classification (germline): Likely benign (1 of 4 stars; one submission).

Submission:

CeGaT Center for Human Genetics Tuebingen
Classification: Likely benign. Last evaluated: 2024-11-01. Review status: criteria provided, single submitter. Criteria: CeGaT Center For Human Genetics Tuebingen Variant Classification Criteria Version 2. Collection method: clinical testing. Allele origin: germline. Affected: yes. Observed: 1 variant allele.
Comment: AP3B1: PM2:Supporting, BP4, BP7

NM_003664.5(AP3B1):c.1848T>C (p.His616=)

Gene: AP3B1 (adaptor related protein complex 3 subunit beta 1; minus strand). Cytogenetic location: 5q14.1.
Variant type: single nucleotide variant.
Coding change: c.1848T>C on transcript NM_003664.5 (MANE Select); coding-DNA position 1848, T replaced by C.
Protein change: p.His616=; no amino-acid change (histidine 616 retained).
Molecular consequence: synonymous variant.
Genome position (GRCh38, 1-based): chr5:78,128,150, A>G on the plus strand (T>C on the coding strand, the complement: AP3B1 is on the minus strand). VCF-style: chr5-78128150-A-G. GRCh37 (hg19) VCF-style: chr5-77423974-A-G.
Other names: c.1701T>C, p.His567= (NM_001271769.2); c.1848T>C, p.His616= (NM_001410752.1).
Identifiers: ClinVar variation 3388262 (VCV003388262.14).